The following is an entry in ClinVar:

NM_024422.6(DSC2):c.893A>T (p.His298Leu)

Gene: DSC2 (desmocollin 2; minus strand). Cytogenetic location: 18q12.1.
Variant type: single nucleotide variant.
Coding change: c.893A>T on transcript NM_024422.6 (MANE Select); coding-DNA position 893, A replaced by T.
Protein change: p.His298Leu; replaces histidine 298 with leucine.
Molecular consequence: missense variant.
Genome position (GRCh38, 1-based): chr18:31,086,625, T>A on the plus strand (A>T on the coding strand, the complement: DSC2 is on the minus strand). VCF-style: chr18-31086625-T-A. GRCh37 (hg19) VCF-style: chr18-28666588-T-A.
Other names: c.893A>T, p.His298Leu (NM_004949.5); short protein forms H298L.
Identifiers: ClinVar variation 46201 (VCV000046201.11), dbSNP rs397517407, ClinGen allele CA022960.
Genomic context (GRCh38, chr18:31,086,625, plus strand): 5'-GTTTATGTTACCTCTCTGTCTAGCTGAGATGATGTTGTGGTGATCACGCCTGTAGTTGGA[T>A]GCATAGAAAATAGGGTGGGTGATGGTGGCACCTGCCCAATGATGGAGTACTTCAGGCGTG-3'
Protein context (NP_077740.1, residues 288-308): VPPSPTLFSM[His298Leu]PTTGVITTTS

ClinVar aggregate classification (germline): Uncertain significance. Review status: criteria provided, multiple submitters, no conflicts (2 of 4 stars). 4 submissions from 4 submitters: Uncertain significance (4). Last evaluated 2024-11-25.

Conditions:
Familial isolated arrhythmogenic right ventricular dysplasia. Identifiers: Orphanet 217656, MedGen C4274968, MONDO:0016342.
Cardiomyopathy (CMYO). Also called: Cardiomyopathies. Identifiers: Orphanet 167848, MedGen C0878544, MONDO:0004994, HP:0001638. Inheritance: Various modes of inheritance.

Allele frequency attached by ClinVar (database versions not stated): TOPMed below 0.00001; gnomAD 0.00001.
gnomAD v4.1: 1 of 1,614,046 alleles (0.000062%); highest among the groups gnomAD compares: Non-Finnish European, 0.000085%; no homozygotes.

Submissions (4):

GeneDx
Classification: Uncertain significance. Last evaluated: 2024-11-25. Review status: criteria provided, single submitter. Criteria: GeneDx Variant Classification Process June 2021. Collection method: clinical testing. Allele origin: germline. Affected: yes.
Comment: Not observed at significant frequency in large population cohorts (gnomAD); In silico analysis supports that this missense variant has a deleterious effect on protein structure/function

Color Diagnostics, LLC DBA Color Health
Classification: Uncertain significance for Cardiomyopathy. Last evaluated: 2024-03-06. Review status: criteria provided, single submitter. Criteria: ACMG Guidelines, 2015. Collection method: clinical testing. Allele origin: germline.
Comment: This missense variant replaces histidine with leucine at codon 298 of the DSC2 protein. Computational prediction is inconclusive regarding the impact of this variant on protein structure and function (internally defined REVEL score threshold 0.5 < inconclusive < 0.7, PMID: 27666373). To our knowledge, functional studies have not been reported for this variant. This variant has not been reported in individuals affected with DSC2-related disorders in the literature. This variant has not been identified in the general population by the Genome Aggregation Database (gnomAD). The available evidence is insufficient to determine the role of this variant in disease conclusively. Therefore, this variant is classified as a Variant of Uncertain Significance.

All of Us Research Program, National Institutes of Health
Classification: Uncertain significance for Familial isolated arrhythmogenic right ventricular dysplasia. Last evaluated: 2023-07-19. Review status: criteria provided, single submitter. Criteria: ACMG Guidelines, 2015. Collection method: clinical testing. Allele origin: germline. Inheritance: Autosomal dominant inheritance. Observed: 1 variant allele, 1 heterozygote.
Comment: This missense variant replaces histidine with leucine at codon 298 of the DSC2 protein. Computational prediction tools and conservation analyses suggest that this variant may have deleterious impact on protein function. Computational splicing tools suggest that this variant may not impact RNA splicing. To our knowledge, functional assays have not been performed for this variant nor has this variant been reported in individuals affected with cardiovascular disorders in the literature. This variant has not been identified in the general population by the Genome Aggregation Database (gnomAD). Available evidence is insufficient to determine the role of this variant in disease conclusively. Therefore, this variant is classified as a Variant of Uncertain Significance.

This study involves interpretation of variants in research participants for the purpose of population health screening. Participant phenotype was not available at the time of variant classification. Additional details can be found in publication PMID: 35346344, PMCID: PMC8962531

Laboratory for Molecular Medicine, Mass General Brigham Personalized Medicine
Classification: Uncertain significance. Last evaluated: 2012-11-30. Review status: criteria provided, single submitter. Criteria: LMM Criteria. Collection method: clinical testing. Allele origin: germline. Observed: 1 variant allele.
Comment: The His298Leu variant in DSC2 has not been reported in the literature nor previo usly identified by our laboratory. Computational analyses (biochemical amino aci d properties, AlignGVGD, PolyPhen2, and SIFT) do not provide strong support for or against an impact to the protein. Histidine (His) at position 298 is not wel l conserved in evolution, suggesting that a change to this position may be toler ated. However, additional information is needed to fully assess the clinical sig nificance of the His298Leu variant.